The following is an entry in ClinVar:

ClinVar aggregate classification (germline): Uncertain significance (1 of 4 stars; one submission).

Submission:

Labcorp Genetics (formerly Invitae), Labcorp
Classification: Uncertain significance. Last evaluated: 2024-06-22. Review status: criteria provided, single submitter. Criteria: Invitae Variant Classification Sherloc (09022015). Collection method: clinical testing. Allele origin: germline.
Comment: This sequence change affects codon 742 of the PACS2 mRNA. It is a 'silent' change, meaning that it does not change the encoded amino acid sequence of the PACS2 protein. This variant is not present in population databases (gnomAD no frequency). This variant has not been reported in the literature in individuals affected with PACS2-related conditions. Algorithms developed to predict the effect of sequence changes on RNA splicing suggest that this variant may disrupt the consensus splice site. In summary, the available evidence is currently insufficient to determine the role of this variant in disease. Therefore, it has been classified as a Variant of Uncertain Significance.

NM_001100913.3(PACS2):c.2226G>C (p.Pro742=)

Gene: PACS2 (phosphofurin acidic cluster sorting protein 2; plus strand). Cytogenetic location: 14q32.33.
Variant type: single nucleotide variant.
Coding change: c.2226G>C on transcript NM_001100913.3 (MANE Select); coding-DNA position 2226, G replaced by C.
Protein change: p.Pro742=; no amino-acid change (proline 742 retained).
Molecular consequence: synonymous variant.
Genome position (GRCh38, 1-based): chr14:105,391,737, G>C. VCF-style: chr14-105391737-G-C. GRCh37 (hg19) VCF-style: chr14-105858074-G-C.
Other names: c.1956G>C, p.Pro652= (NM_001243127.3); c.2181G>C, p.Pro727= (NM_015197.4).
Identifiers: ClinVar variation 3678874 (VCV003678874.2).